The following is an entry in ClinVar:

ClinVar aggregate classification (germline): Uncertain significance (1 of 4 stars; one submission).

Conditions:
Tuberous sclerosis 2 (TSC2). Identifiers: Orphanet 805, MedGen C1860707, MONDO:0013199, OMIM 613254.

Submission:

Labcorp Genetics (formerly Invitae), Labcorp
Classification: Uncertain significance for Tuberous sclerosis 2. Last evaluated: 2023-05-15. Review status: criteria provided, single submitter. Criteria: Invitae Variant Classification Sherloc (09022015). Collection method: clinical testing. Allele origin: germline.
Comment: This sequence change falls in intron 34 of the TSC2 gene. It does not directly change the encoded amino acid sequence of the TSC2 protein. This variant is not present in population databases (gnomAD no frequency). This variant has not been reported in the literature in individuals affected with TSC2-related conditions. Algorithms developed to predict the effect of sequence changes on RNA splicing suggest that this variant may create or strengthen a splice site. In summary, the available evidence is currently insufficient to determine the role of this variant in disease. Therefore, it has been classified as a Variant of Uncertain Significance.

NM_000548.5(TSC2):c.4494-17_4494-9del

Gene: TSC2 (TSC complex subunit 2; plus strand). Cytogenetic location: 16p13.3.
Variant type: Deletion.
Coding change: c.4494-17_4494-9del on transcript NM_000548.5 (MANE Select); 17 bases into the intron before coding-DNA position 4494 through 9 bases into the intron before coding-DNA position 4494, 9 bases deleted (ATCCCCTCC; older notation c.4494-17_4494-9delATCCCCTCC).
Molecular consequence: intron variant.
Genome position (GRCh38, 1-based): chr16:2,084,934-2,084,942, ATCCCCTCC deleted; deleting any 9 consecutive bases within chr16:2,084,932-2,084,942 gives the same sequence; the c. name uses the placement nearest the transcript's 3' end. VCF-style (leftmost placement, unchanged base first): chr16-2084931-ACCATCCCCT-A. GRCh37 (hg19) VCF-style: chr16-2134932-ACCATCCCCT-A.
Other names: c.2952-17_2952-9del (NM_001406693.1, NM_001406692.1, NM_001406694.1); c.4386-17_4386-9del (NM_001406667.1); c.4383-17_4383-9del (NM_001406668.1); c.3894-17_3894-9del (NM_001406680.1); c.3825-17_3825-9del (NM_001406683.1, NM_001406682.1); c.3693-17_3693-9del (NM_001406687.1, NM_001406688.1); c.3081-17_3081-9del (NM_001406689.1); c.3021-17_3021-9del (NM_001406690.1); and 26 more.
Identifiers: ClinVar variation 2864367 (VCV002864367.3), dbSNP rs2544302479, ClinGen allele CA2739265845.